The following is an entry in ClinVar:

NM_052947.4(ALPK2):c.3920T>C (p.Leu1307Pro)

Genes: ALPK2 (alpha kinase 2; minus strand), LOC126862764 (BRD4-independent group 4 enhancer GRCh37_chr18:56202574-56203773; plus strand). Cytogenetic location: 18q21.31.
Variant type: single nucleotide variant.
Coding change: c.3920T>C on transcript NM_052947.4 (MANE Select); coding-DNA position 3920, T replaced by C.
Protein change: p.Leu1307Pro; replaces leucine 1307 with proline.
Molecular consequence: missense variant.
Genome position (GRCh38, 1-based): chr18:58,536,267, A>G on the plus strand (T>C on the coding strand, the complement: ALPK2 is on the minus strand). VCF-style: chr18-58536267-A-G. GRCh37 (hg19) VCF-style: chr18-56203499-A-G.
Other names: short protein forms L1307P.
Identifiers: ClinVar variation 1736201 (VCV001736201.2), dbSNP rs2518875733, ClinGen allele CA402565185.
Genomic context (GRCh38, chr18:58,536,267, plus strand): 5'-CTTCTCCAATGTACACTGATGGTGGGCTCTTCGCCTTTATGGCTTTCTCTGCTATCAGCA[A>G]GGGCTGACTCAGCATCCTCTGGACTGTGAGCCAATGCTGCTATTTCAGAGGGGGCCAATT-3'
Protein context (NP_443179.3, residues 1297-1317): AHSPEDAESA[Leu1307Pro]ADSRESHKGE

ClinVar aggregate classification (germline): Uncertain significance (1 of 4 stars; one submission).

Submission:

Ambry Genetics
Classification: Uncertain significance. Last evaluated: 2022-08-30. Review status: criteria provided, single submitter. Criteria: Ambry Variant Classification Scheme 2023. Collection method: clinical testing. Allele origin: germline.
Comment: The p.L1307P variant (also known as c.3920T>C), located in coding exon 4 of the ALPK2 gene, results from a T to C substitution at nucleotide position 3920. The leucine at codon 1307 is replaced by proline, an amino acid with similar properties. This amino acid position is conserved. In addition, this alteration is predicted to be tolerated by in silico analysis. Since supporting evidence is limited at this time, the clinical significance of this alteration remains unclear.